The following is an entry in ClinVar:

ClinVar aggregate classification (germline): Pathogenic (1 of 4 stars; one submission).

Conditions:
Microcephaly 27, primary, autosomal dominant. Identifiers: MedGen C5543051, MONDO:0030929, OMIM 619180.

Submission:

Medical Genetics Department, Assistance Publique Hopitaux de Marseille
Classification: Pathogenic for Microcephaly 27, primary, autosomal dominant. Last evaluated: 2024-10-22. Review status: criteria provided, single submitter. Criteria: ACMG Guidelines, 2015. Collection method: clinical testing. Allele origin: biparental. Inheritance: Autosomal recessive inheritance. Affected: yes. Observed: 1 homozygote.
Comment: The NM_032737.4:c.578_579del, is a null variant: frameshift in LMNB2 which is predicted to result in a premature codon stop at position 294 and results in a loss of lamin B2 fonction (PVS1). In addition, multiple joint contractures with restricted limb movements were prominent and lower limbs remained permanently in hyperextension. The two homozygous carriers of this variant died few minutes after birth whereas both parents in heterozygous condition were healthy (PP1). This variant was not reported in gnomAD (version 2.1.1) (PM2). Immunostaining of lamin B2 and western blots performed in the fibroblasts of one homozygous carrier showed a total absence of lamin B2 (PS3). In summary, this variant meets criteria to be classified as pathogenic based on the ACMG/AMP criteria: PVS1, PP1, PM2 and PS3.

NM_032737.4(LMNB2):c.578_579del (p.Val193fs)

Gene: LMNB2 (lamin B2; minus strand). Cytogenetic location: 19p13.3.
Variant type: Deletion.
Coding change: c.578_579del on transcript NM_032737.4 (MANE Select); coding-DNA positions 578 to 579, 2 bases deleted (TG; older notation c.578_579delTG).
Protein change: p.Val193fs; shifts the reading frame from valine 193.
Molecular consequence: frameshift variant.
Genome position (GRCh38, 1-based): chr19:2,438,268-2,438,269, CA deleted on the plus strand (TG on the coding strand, the reverse complement: LMNB2 is on the minus strand); deleting any 2 consecutive bases within chr19:2,438,268-2,438,270 gives the same sequence; the c. name uses the placement nearest the transcript's 3' end. VCF-style (leftmost placement, unchanged base first): chr19-2438267-CCA-C. GRCh37 (hg19) VCF-style: chr19-2438265-CCA-C.
Other names: short protein forms V193fs.
Identifiers: ClinVar variation 3366973 (VCV003366973.1).